The following is an entry in ClinVar:

NM_006277.3(ITSN2):c.2260G>A (p.Glu754Lys)

Gene: ITSN2 (intersectin 2; minus strand). Cytogenetic location: 2p23.3.
Variant type: single nucleotide variant.
Coding change: c.2260G>A on transcript NM_006277.3 (MANE Select); coding-DNA position 2260, G replaced by A.
Protein change: p.Glu754Lys; replaces glutamic acid 754 with lysine.
Molecular consequence: missense variant.
Genome position (GRCh38, 1-based): chr2:24,270,766, C>T on the plus strand (G>A on the coding strand, the complement: ITSN2 is on the minus strand). VCF-style: chr2-24270766-C-T. GRCh37 (hg19) VCF-style: chr2-24493635-C-T.
Other names: c.2140G>A, p.Glu714Lys (NM_001348182.2, NM_001348186.2); c.2179G>A, p.Glu727Lys (NM_001348183.2, NM_019595.4); c.2137G>A, p.Glu713Lys (NM_001348184.2); c.2221G>A, p.Glu741Lys (NM_001348185.2); c.2260G>A, p.Glu754Lys (NM_147152.3); c.2218G>A, p.Glu740Lys (NM_001348181.2); short protein forms E754K, E713K, E714K, E727K, E740K, E741K.
Identifiers: ClinVar variation 4753025 (VCV004753025.1).

ClinVar aggregate classification (germline): Uncertain significance (1 of 4 stars; one submission).

Submission:

Labcorp Genetics (formerly Invitae), Labcorp
Classification: Uncertain significance. Last evaluated: 2025-09-13. Review status: criteria provided, single submitter. Criteria: Invitae Variant Classification Sherloc (09022015). Collection method: clinical testing. Allele origin: germline.
Comment: This sequence change replaces glutamic acid, which is acidic and polar, with lysine, which is basic and polar, at codon 754 of the ITSN2 protein (p.Glu754Lys). This variant is present in population databases (no rsID available, gnomAD 0.007%). This variant has not been reported in the literature in individuals affected with ITSN2-related conditions. Experimental studies and prediction algorithms are not available or were not evaluated, and the functional significance of this variant is currently unknown. In summary, the available evidence is currently insufficient to determine the role of this variant in disease. Therefore, it has been classified as a Variant of Uncertain Significance.